The following is an entry in ClinVar:

NM_001853.4(COL9A3):c.1135G>A (p.Gly379Ser)

Gene: COL9A3 (collagen type IX alpha 3 chain; plus strand). Cytogenetic location: 20q13.33.
Variant type: single nucleotide variant.
Coding change: c.1135G>A on transcript NM_001853.4 (MANE Select); coding-DNA position 1135, G replaced by A.
Protein change: p.Gly379Ser; replaces glycine 379 with serine.
Molecular consequence: missense variant.
Genome position (GRCh38, 1-based): chr20:62,829,793, G>A. VCF-style: chr20-62829793-G-A. GRCh37 (hg19) VCF-style: chr20-61461145-G-A.
Other names: c.1135G>A, p.Gly379Ser (LRG_1253t1); short protein forms G379S.
Identifiers: ClinVar variation 339284 (VCV000339284.25), dbSNP rs201250184, ClinGen allele CA9949777.

ClinVar aggregate classification (germline): Conflicting classifications of pathogenicity. Review status: criteria provided, conflicting classifications (1 of 4 stars). 6 submissions from 6 submitters: Uncertain significance (2); Benign (1); Likely benign (2). 1 of the submissions does not count toward it. Last evaluated 2026-01-29.

Conditions:
COL9A3-related disorder. Also called: COL9A3-related condition.

Allele frequency attached by ClinVar (database versions not stated): ESP Exome Variant Server 0.00015; 1000 Genomes Project 30x 0.00016; 1000 Genomes Project 0.00020; gnomAD exomes 0.00023 and 0.00052; TOPMed 0.00029; gnomAD 0.00030 and 0.00031; ExAC 0.00090.
gnomAD v4.1: 405 of 1,583,826 alleles (0.026%); highest among the groups gnomAD compares: South Asian, 0.044%; 3 homozygotes.

Submissions (6):

Labcorp Genetics (formerly Invitae), Labcorp
Classification: Benign. Last evaluated: 2026-01-29. Review status: criteria provided, single submitter. Criteria: Invitae Variant Classification Sherloc (09022015). Collection method: clinical testing. Allele origin: germline.

CeGaT Center for Human Genetics Tuebingen
Classification: Likely benign. Last evaluated: 2025-12-01. Review status: criteria provided, single submitter. Criteria: CeGaT Center For Human Genetics Tuebingen Variant Classification Criteria Version 2. Collection method: clinical testing. Allele origin: germline. Affected: yes. Observed: 1 variant allele.
Comment: COL9A3: PP3, BS2

GeneDx
Classification: Uncertain significance. Last evaluated: 2024-12-18. Review status: criteria provided, single submitter. Criteria: GeneDx Variant Classification Process June 2021. Collection method: clinical testing. Allele origin: germline. Affected: yes.
Comment: Has not been previously published as pathogenic or benign to our knowledge; In silico analysis supports that this missense variant has a deleterious effect on protein structure/function

Blueprint Genetics
Classification: Likely benign. Last evaluated: 2024-09-22. Review status: criteria provided, single submitter. Criteria: ACMG Guidelines, 2015. Collection method: clinical testing. Allele origin: germline.

Women's Health and Genetics/Laboratory Corporation of America, LabCorp
Classification: Uncertain significance. Last evaluated: 2024-05-14. Review status: criteria provided, single submitter. Criteria: LabCorp Variant Classification Summary - May 2015. Collection method: clinical testing. Allele origin: germline.
Comment: Variant summary: COL9A3 c.1135G>A (p.Gly379Ser) results in a non-conservative amino acid change in the encoded protein sequence. Five of five in-silico tools predict a damaging effect of the variant on protein function. The variant allele was found at a frequency of 0.00026 in 1583826 control chromosomes in the gnomAD database, including 3 homozygotes. To our knowledge, no occurrence of c.1135G>A in individuals affected with Epiphyseal Dysplasia, Multiple, 3 and no experimental evidence demonstrating its impact on protein function have been reported. ClinVar contains an entry for this variant (Variation ID: 339284). Based on the evidence outlined above, the variant was classified as uncertain significance.

PreventionGenetics, part of Exact Sciences
Classification: Benign for COL9A3-related condition. Last evaluated: 2019-08-26. Review status: no assertion criteria provided. Collection method: clinical testing. Allele origin: germline. Not counted in ClinVar's aggregate classification.
Comment: This variant is classified as benign based on ACMG/AMP sequence variant interpretation guidelines (Richards et al. 2015 PMID: 25741868, with internal and published modifications).